The following is an entry in ClinVar:

ClinVar aggregate classification (germline): Uncertain significance. Review status: criteria provided, multiple submitters, no conflicts (2 of 4 stars). 2 submissions from 2 submitters: Uncertain significance (2). Last evaluated 2026-03-11.

Conditions:
Tuberous sclerosis 2 (TSC2). Identifiers: Orphanet 805, MedGen C1860707, MONDO:0013199, OMIM 613254.
Hereditary cancer-predisposing syndrome. Also called: Hereditary Cancer Syndrome; Neoplastic Syndromes, Hereditary; Tumor predisposition; Hereditary neoplastic syndrome. Identifiers: Orphanet 140162, MedGen C0027672, MeSH D009386, MONDO:0015356.

Submissions (2):

Ambry Genetics
Classification: Uncertain significance for Hereditary cancer-predisposing syndrome. Last evaluated: 2026-03-11. Review status: criteria provided, single submitter. Criteria: Ambry Variant Classification Scheme 2023. Collection method: clinical testing. Allele origin: germline.
Comment: The p.R718L variant (also known as c.2153G>T), located in coding exon 19 of the TSC2 gene, results from a G to T substitution at nucleotide position 2153. The arginine at codon 718 is replaced by leucine, an amino acid with dissimilar properties. This amino acid position is not well conserved in available vertebrate species. In addition, this alteration is predicted to be deleterious by in silico analysis. Based on the available evidence, the clinical significance of this variant remains unclear.

Labcorp Genetics (formerly Invitae), Labcorp
Classification: Uncertain significance for Tuberous sclerosis 2. Last evaluated: 2025-06-12. Review status: criteria provided, single submitter. Criteria: Invitae Variant Classification Sherloc (09022015). Collection method: clinical testing. Allele origin: germline.
Comment: This sequence change replaces arginine, which is basic and polar, with leucine, which is neutral and non-polar, at codon 718 of the TSC2 protein (p.Arg718Leu). This variant is not present in population databases (gnomAD no frequency). This variant has not been reported in the literature in individuals affected with TSC2-related conditions. ClinVar contains an entry for this variant (Variation ID: 3680129). Invitae Evidence Modeling of protein sequence and biophysical properties (such as structural, functional, and spatial information, amino acid conservation, physicochemical variation, residue mobility, and thermodynamic stability) indicates that this missense variant is not expected to disrupt TSC2 protein function with a negative predictive value of 95%. In summary, the available evidence is currently insufficient to determine the role of this variant in disease. Therefore, it has been classified as a Variant of Uncertain Significance.

NM_000548.5(TSC2):c.2153G>T (p.Arg718Leu)

Gene: TSC2 (TSC complex subunit 2; plus strand). Cytogenetic location: 16p13.3.
Variant type: single nucleotide variant.
Coding change: c.2153G>T on transcript NM_000548.5 (MANE Select); coding-DNA position 2153, G replaced by T.
Protein change: p.Arg718Leu; replaces arginine 718 with leucine.
Molecular consequence: missense variant. On other transcripts: non-coding transcript variant (5).
Genome position (GRCh38, 1-based): chr16:2,072,296, G>T. VCF-style: chr16-2072296-G-T. GRCh37 (hg19) VCF-style: chr16-2122297-G-T.
Other names: c.2153G>T, p.Arg718Leu (NM_001077183.3, NM_001114382.3, NM_001363528.2 and 6 more transcripts); c.2042G>T, p.Arg681Leu (NM_001318827.2, NM_001406670.1, NM_001406678.1); c.2006G>T, p.Arg669Leu (NM_001318829.2, NM_001406679.1, NM_001406675.1 and 1 more transcripts); c.1553G>T, p.Arg518Leu (NM_001318831.2, NM_001406680.1, NM_001406682.1 and 6 more transcripts); c.2186G>T, p.Arg729Leu (NM_001318832.2); c.1691G>T, p.Arg564Leu (NM_001406681.1); c.551G>T, p.Arg184Leu (NM_001406698.1); c.2243G>T, p.Arg748Leu (NM_001406667.1, NM_001406668.1); and 3 more; short protein forms R564L, R699L, R184L, R270L, R518L, R681L, R669L, R714L.
Identifiers: ClinVar variation 3680129 (VCV003680129.3).